The following is an entry in ClinVar:

ClinVar aggregate classification (germline): Uncertain significance (1 of 4 stars; one submission).

Conditions:
Hereditary pheochromocytoma and paraganglioma. Also called: Hereditary pheochromocytoma-paraganglioma; Hereditary Paraganglioma-Pheochromocytoma Syndromes; Hereditary paragangliomas and pheochromocytomas. Identifiers: Orphanet 29072, MedGen C4274332, MONDO:0017366.

Submission:

Labcorp Genetics (formerly Invitae), Labcorp
Classification: Uncertain significance for Hereditary pheochromocytoma and paraganglioma. Last evaluated: 2019-10-23. Review status: criteria provided, single submitter. Criteria: Invitae Variant Classification Sherloc (09022015). Collection method: clinical testing. Allele origin: germline.
Comment: This variant has not been reported in the literature in individuals with TMEM127-related conditions. In summary, the available evidence is currently insufficient to determine the role of this variant in disease. Therefore, it has been classified as a Variant of Uncertain Significance. Algorithms developed to predict the effect of missense changes on protein structure and function (SIFT, PolyPhen-2, Align-GVGD) all suggest that this variant is likely to be disruptive, but these predictions have not been confirmed by published functional studies and their clinical significance is uncertain. This variant is not present in population databases (ExAC no frequency). This sequence change replaces leucine with arginine at codon 196 of the TMEM127 protein (p.Leu196Arg). The leucine residue is highly conserved and there is a moderate physicochemical difference between leucine and arginine.

NM_017849.4(TMEM127):c.587T>G (p.Leu196Arg)

Gene: TMEM127 (transmembrane protein 127; minus strand). Cytogenetic location: 2q11.2.
Variant type: single nucleotide variant.
Coding change: c.587T>G on transcript NM_017849.4 (MANE Select); coding-DNA position 587, T replaced by G.
Protein change: p.Leu196Arg; replaces leucine 196 with arginine.
Molecular consequence: missense variant.
Genome position (GRCh38, 1-based): chr2:96,253,938, A>C on the plus strand (T>G on the coding strand, the complement: TMEM127 is on the minus strand). VCF-style: chr2-96253938-A-C. GRCh37 (hg19) VCF-style: chr2-96919676-A-C.
Other names: c.587T>G, p.Leu196Arg (NM_001193304.3); short protein forms L196R.
Identifiers: ClinVar variation 972473 (VCV000972473.9), dbSNP rs1684146217, ClinGen allele CA347652163.